The following is an entry in ClinVar:

ClinVar aggregate classification (germline): Uncertain significance (1 of 4 stars; one submission).

Submission:

GeneDx
Classification: Uncertain significance. Last evaluated: 2023-10-27. Review status: criteria provided, single submitter. Criteria: GeneDx Variant Classification Process June 2021. Collection method: clinical testing. Allele origin: germline. Affected: yes.
Comment: Not observed at significant frequency in large population cohorts (gnomAD); In silico analysis supports that this missense variant has a deleterious effect on protein structure/function; Has not been previously published as pathogenic or benign to our knowledge

NM_001145026.2(PTPRQ):c.5034A>T (p.Gln1678His)

Gene: PTPRQ (protein tyrosine phosphatase receptor type Q; plus strand). Cytogenetic location: 12q21.31.
Variant type: single nucleotide variant.
Coding change: c.5034A>T on transcript NM_001145026.2 (MANE Select); coding-DNA position 5034, A replaced by T.
Protein change: p.Gln1678His; replaces glutamine 1678 with histidine.
Molecular consequence: missense variant.
Genome position (GRCh38, 1-based): chr12:80,613,707, A>T. VCF-style: chr12-80613707-A-T. GRCh37 (hg19) VCF-style: chr12-81007486-A-T.
Other names: short protein forms Q1678H.
Identifiers: ClinVar variation 3363264 (VCV003363264.1).